The following is an entry in ClinVar:

ClinVar aggregate classification (germline): Benign/Likely benign. Review status: criteria provided, multiple submitters, no conflicts (2 of 4 stars). 5 submissions from 5 submitters: Benign (3); Likely benign (2). Last evaluated 2026-02-03.

Conditions:
Hereditary cancer-predisposing syndrome. Also called: Neoplastic Syndromes, Hereditary; Tumor predisposition; Hereditary neoplastic syndrome; Hereditary Cancer Syndrome. Identifiers: Orphanet 140162, MedGen C0027672, MeSH D009386, MONDO:0015356.
Birt-Hogg-Dube syndrome 1 (BHD1). Also called: FIBROFOLLICULOMAS WITH TRICHODISCOMAS AND ACROCHORDONS. Identifiers: Orphanet 122, MedGen CN375946, MONDO:0800445, OMIM 135150.
Birt-Hogg-Dube syndrome. Also called: Birt Hogg Dubé syndrome. Identifiers: Orphanet 122, MedGen C0346010, MONDO:0800444.

Allele frequency attached by ClinVar (database versions not stated): gnomAD 0.00001 and 0.00002; TOPMed 0.00008; gnomAD exomes 0.00010 and 0.00023; ExAC 0.00023.
gnomAD v4.1: 148 of 1,613,992 alleles (0.0092%); highest among the groups gnomAD compares: East Asian, 0.19%; no homozygotes.

Submissions (5):

Labcorp Genetics (formerly Invitae), Labcorp
Classification: Benign for Birt-Hogg-Dube syndrome. Last evaluated: 2026-02-03. Review status: criteria provided, single submitter. Criteria: Invitae Variant Classification Sherloc (09022015). Collection method: clinical testing. Allele origin: germline.

Myriad Genetics, Inc.
Classification: Benign for Birt-Hogg-Dube syndrome 1. Last evaluated: 2024-10-25. Review status: criteria provided, single submitter. Criteria: Myriad Autosomal Dominant, Autosomal Recessive and X-Linked Classification Criteria (2023). Collection method: clinical testing. Allele origin: unknown.
Comment: This variant is considered benign. This variant is a silent/synonymous amino acid change and it is not expected to impact splicing.

Quest Diagnostics Nichols Institute San Juan Capistrano
Classification: Benign. Last evaluated: 2022-10-06. Review status: criteria provided, single submitter. Criteria: Quest Diagnostics criteria. Collection method: clinical testing. Allele origin: unknown.

GeneDx
Classification: Likely benign. Last evaluated: 2021-03-17. Review status: criteria provided, single submitter. Criteria: GeneDx Variant Classification Process June 2021. Collection method: clinical testing. Allele origin: germline. Affected: yes.

Ambry Genetics
Classification: Likely benign for Hereditary cancer-predisposing syndrome. Last evaluated: 2015-07-03. Review status: criteria provided, single submitter. Criteria: Ambry Variant Classification Scheme 2023. Collection method: clinical testing. Allele origin: germline.

NM_144997.7(FLCN):c.1464G>A (p.Ala488=)

Gene: FLCN (folliculin; minus strand). Cytogenetic location: 17p11.2.
Variant type: single nucleotide variant.
Coding change: c.1464G>A on transcript NM_144997.7 (MANE Select); coding-DNA position 1464, G replaced by A.
Protein change: p.Ala488=; no amino-acid change (alanine 488 retained).
Molecular consequence: synonymous variant.
Genome position (GRCh38, 1-based): chr17:17,215,059, C>T on the plus strand (G>A on the coding strand, the complement: FLCN is on the minus strand). VCF-style: chr17-17215059-C-T. GRCh37 (hg19) VCF-style: chr17-17118373-C-T.
Other names: c.1464G>A (LRG_325t1, NM_144997.6); c.1518G>A, p.Ala506= (NM_001353229.2); c.1464G>A, p.Ala488= (NM_001353230.2, NM_001353231.2).
Identifiers: ClinVar variation 241919 (VCV000241919.18), dbSNP rs747029882, ClinGen allele CA8415958.